The following is an entry in ClinVar:

NM_194248.3(OTOF):c.3013C>G (p.Pro1005Ala)

Gene: OTOF (otoferlin; minus strand). Cytogenetic location: 2p23.3.
Variant type: single nucleotide variant.
Coding change: c.3013C>G on transcript NM_194248.3 (MANE Select); coding-DNA position 3013, C replaced by G.
Protein change: p.Pro1005Ala; replaces proline 1005 with alanine.
Molecular consequence: missense variant.
Genome position (GRCh38, 1-based): chr2:26,475,472, G>C on the plus strand (C>G on the coding strand, the complement: OTOF is on the minus strand). VCF-style: chr2-26475472-G-C. GRCh37 (hg19) VCF-style: chr2-26698340-G-C.
Other names: c.3013C>G, p.Pro1005Ala (NM_001287489.2); c.772C>G, p.Pro258Ala (NM_004802.4, NM_194323.3); c.943C>G, p.Pro315Ala (NM_194322.3); short protein forms P1005A, P258A, P315A.
Identifiers: ClinVar variation 1030447 (VCV001030447.1), dbSNP rs1665210196, ClinGen allele CA346110744.

ClinVar aggregate classification (germline): Uncertain significance (1 of 4 stars; one submission).

Conditions:
Autosomal recessive nonsyndromic hearing loss 9. Also called: NEUROSENSORY NONSYNDROMIC RECESSIVE DEAFNESS 9; OTOF-Related Hearing Loss; Deafness, autosomal recessive 9; AUDITORY NEUROPATHY, AUTOSOMAL RECESSIVE, 1, TEMPERATURE-SENSITIVE. Identifiers: Orphanet 90636, MedGen C1832828, MONDO:0010986, OMIM 601071.

Submission:

Baylor Genetics
Classification: Uncertain significance for Autosomal recessive nonsyndromic hearing loss 9. Last evaluated: 2020-08-07. Review status: criteria provided, single submitter. Criteria: ACMG Guidelines, 2015. Collection method: clinical testing. Allele origin: unknown. Affected: yes.
Comment: This variant was determined to be of uncertain significance according to ACMG Guidelines, 2015 [PMID:25741868].